The following is an entry in ClinVar:

ClinVar aggregate classification (germline): Conflicting classifications of pathogenicity. Review status: criteria provided, conflicting classifications (1 of 4 stars). 2 submissions from 2 submitters: Uncertain significance (1); Likely benign (1). Last evaluated 2026-06-05.

Conditions:
TTN-related disorder. Also called: TTN-related disorders; TTN-related condition; TTN-related disease.
Cardiovascular phenotype. Identifiers: MedGen CN230736.

Allele frequency attached by ClinVar (database versions not stated): ExAC 0.00002; gnomAD exomes 0.00003.
gnomAD v4.1: 43 of 1,613,750 alleles (0.0027%); highest among the groups gnomAD compares: Admixed American, 0.017%; no homozygotes.

Submissions (2):

PreventionGenetics, part of Exact Sciences
Classification: Uncertain significance for TTN-related condition. Last evaluated: 2026-06-05. Review status: criteria provided, single submitter. Criteria: ACMG Guidelines, 2015. Collection method: clinical testing. Allele origin: germline.
Comment: The TTN c.92296T>C variant is predicted to result in the amino acid substitution p.Trp30766Arg. To our knowledge, this variant has not been reported in the literature. This variant is reported in 0.026% of alleles in individuals of Latino descent in gnomAD. At this time, the clinical significance of this variant is uncertain due to the absence of conclusive functional and genetic evidence.

Ambry Genetics
Classification: Likely benign for Cardiovascular phenotype. Last evaluated: 2019-09-30. Review status: criteria provided, single submitter. Criteria: Ambry Variant Classification Scheme 2023. Collection method: clinical testing. Allele origin: germline.

NM_001267550.2(TTN):c.92296T>C (p.Trp30766Arg)

Genes: TTN (titin; minus strand), TTN-AS1 (TTN antisense RNA 1; plus strand). Cytogenetic location: 2q31.2.
Variant type: single nucleotide variant.
Coding change: c.92296T>C on transcript NM_001267550.2 (MANE Select); coding-DNA position 92296, T replaced by C.
Protein change: p.Trp30766Arg; replaces tryptophan 30766 with arginine.
Molecular consequence: missense variant.
Genome position (GRCh38, 1-based): chr2:178,549,330, A>G on the plus strand (T>C on the coding strand, the complement: TTN is on the minus strand). VCF-style: chr2-178549330-A-G. GRCh37 (hg19) VCF-style: chr2-179414057-A-G.
Other names: c.87373T>C, p.Trp29125Arg (NM_001256850.1); c.65101T>C, p.Trp21701Arg (NM_003319.4); c.84592T>C, p.Trp28198Arg (NM_133378.4); c.65476T>C, p.Trp21826Arg (NM_133432.3); c.65677T>C, p.Trp21893Arg (NM_133437.4); short protein forms W21701R, W29125R, W28198R, W30766R, W21826R, W21893R.
Identifiers: ClinVar variation 1753966 (VCV001753966.3), dbSNP rs780067852, ClinGen allele CA1987457.
Genomic context (GRCh38, chr2:178,549,330, plus strand): 5'-TCAGACCAGTGACTTTGAATCTTGTTTCAGAGATTGGTCGTTTGCTGATCACTTTTACCC[A>G]TCTTGTGCTTTTCTTTTCTCTTCTTTCAAGGATATACTGTTGAATTTCACTGCCACCATC-3'
Protein context (NP_001254479.2, residues 30756-30776): LERREKKSTR[Trp30766Arg]VKVISKRPIS